The following is an entry in ClinVar:

ClinVar aggregate classification (germline): Uncertain significance (1 of 4 stars; one submission).

Allele frequency attached by ClinVar (database versions not stated): gnomAD exomes 0.00002 and 0.00005; gnomAD 0.00004 and 0.00005; ExAC 0.00005.
gnomAD v4.1: 45 of 1,614,042 alleles (0.0028%); highest among the groups gnomAD compares: Non-Finnish European, 0.00076%; no homozygotes.

Submission:

Labcorp Genetics (formerly Invitae), Labcorp
Classification: Uncertain significance. Last evaluated: 2021-08-26. Review status: criteria provided, single submitter. Criteria: Invitae Variant Classification Sherloc (09022015). Collection method: clinical testing. Allele origin: germline.
Comment: In summary, the available evidence is currently insufficient to determine the role of this variant in disease. Therefore, it has been classified as a Variant of Uncertain Significance. Algorithms developed to predict the effect of missense changes on protein structure and function (SIFT, PolyPhen-2, Align-GVGD) all suggest that this variant is likely to be tolerated. This variant has not been reported in the literature in individuals affected with VAC14-related conditions. This variant is present in population databases (rs749342181, ExAC 0.05%). This sequence change replaces methionine with valine at codon 569 of the VAC14 protein (p.Met569Val). The methionine residue is moderately conserved and there is a small physicochemical difference between methionine and valine.

NM_018052.5(VAC14):c.1705A>G (p.Met569Val)

Gene: VAC14 (VAC14 component of PIKFYVE complex; minus strand). Cytogenetic location: 16q22.1.
Variant type: single nucleotide variant.
Coding change: c.1705A>G on transcript NM_018052.5 (MANE Select); coding-DNA position 1705, A replaced by G.
Protein change: p.Met569Val; replaces methionine 569 with valine.
Molecular consequence: missense variant.
Genome position (GRCh38, 1-based): chr16:70,698,768, T>C on the plus strand (A>G on the coding strand, the complement: VAC14 is on the minus strand). VCF-style: chr16-70698768-T-C. GRCh37 (hg19) VCF-style: chr16-70732671-T-C.
Other names: c.1003A>G, p.Met335Val (NM_001351157.2); short protein forms M569V, M335V.
Identifiers: ClinVar variation 1394992 (VCV001394992.6), dbSNP rs749342181, ClinGen allele CA8147540.